The following is an entry in ClinVar:

NM_001009944.3(PKD1):c.12588del (p.Gly4196_Leu4197insTer)

Gene: PKD1 (polycystin 1, transient receptor potential channel interacting; minus strand). Cytogenetic location: 16p13.3.
Variant type: Deletion.
Coding change: c.12588del on transcript NM_001009944.3 (MANE Select); coding-DNA position 12588, one base deleted (G; older notation c.12588delG).
Protein change: p.Gly4196_Leu4197insTer.
Molecular consequence: frameshift variant.
Genome position (GRCh38, 1-based): chr16:2,090,051, C deleted on the plus strand (G on the coding strand, the reverse complement: PKD1 is on the minus strand); the first of 3 consecutive C bases (chr16:2,090,051-2,090,053); deleting any one gives the same sequence. VCF-style (leftmost placement, unchanged base first): chr16-2090050-GC-G. GRCh37 (hg19) VCF-style: chr16-2140051-GC-G.
Other names: c.12585del, p.Gly4195_Leu4196insTer (NM_000296.4).
Identifiers: ClinVar variation 5038219 (VCV005038219.1).

ClinVar aggregate classification (germline): Likely pathogenic (1 of 4 stars; one submission).

Conditions:
Polycystic kidney disease, adult type (PKD1). Also called: Polycystic Kidney Disease 1, Autosomal Dominant; POLYCYSTIC KIDNEY DISEASE, ADULT, TYPE I; Polycystic kidney disease 1; Polycystic kidney disease 1, severe; POLYCYSTIC KIDNEY DISEASE 1 WITH OR WITHOUT POLYCYSTIC LIVER DISEASE; Polycystic Kidney, Autosomal Dominant. Identifiers: MedGen C3149841, MONDO:0008263, OMIM 173900.

Submission:

MVZ Medizinische Genetik Mainz
Classification: Likely pathogenic for Polycystic kidney disease, adult type. Last evaluated: 2026-06-09. Review status: criteria provided, single submitter. Criteria: UK Practice Guidelines For Variant Classification V4 01 2020. Collection method: clinical testing. Allele origin: germline. Inheritance: Autosomal dominant inheritance. Affected: yes. Observed: 1 variant allele.
Comment: ACMG Criteria: PVS1_STR,PM2_SUP,PP4